The following is an entry in ClinVar:

ClinVar aggregate classification (germline): Uncertain significance (1 of 4 stars; one submission).

Conditions:
Familial thoracic aortic aneurysm and aortic dissection (TAAD). Also called: Thoracic aortic aneurysms and dissections. Identifiers: Orphanet 91387, MedGen C4707243, MONDO:0019625.

Submission:

Ambry Genetics
Classification: Uncertain significance for Familial thoracic aortic aneurysm and aortic dissection. Last evaluated: 2026-07-06. Review status: criteria provided, single submitter. Criteria: Ambry Variant Classification Scheme 2023. Collection method: clinical testing. Allele origin: germline.
Comment: The p.Q137H variant (also known as c.411G>C), located in coding exon 4 of the FBN1 gene, results from a G to C substitution at nucleotide position 411. The glutamine at codon 137 is replaced by histidine, an amino acid with highly similar properties. This amino acid position is conserved. In addition, the in silico prediction for this alteration is inconclusive. Based on the available evidence, the clinical significance of this variant remains unclear.

NM_000138.5(FBN1):c.411G>C (p.Gln137His)

Gene: FBN1 (fibrillin 1; minus strand). Cytogenetic location: 15q21.1.
Variant type: single nucleotide variant.
Coding change: c.411G>C on transcript NM_000138.5 (MANE Select); coding-DNA position 411, G replaced by C.
Protein change: p.Gln137His; replaces glutamine 137 with histidine.
Molecular consequence: missense variant.
Genome position (GRCh38, 1-based): chr15:48,600,170, C>G on the plus strand (G>C on the coding strand, the complement: FBN1 is on the minus strand). VCF-style: chr15-48600170-C-G. GRCh37 (hg19) VCF-style: chr15-48892367-C-G.
Other names: c.411G>C, p.Gln137His (NM_001406716.1, NM_001406717.1); short protein forms Q137H.
Identifiers: ClinVar variation 5021578 (VCV005021578.1).
Genomic context (GRCh38, chr15:48,600,170, plus strand): 5'-TAGAATACTTATAACTACAGTGTACTTACGTTGTCCACAGTGAGTCCCTATGTATCCTTT[C>G]TGGCATAGACAGTGATCGTCACTGCAGCTACCTCCATTCATACAGCGAATATTGCAGTGT-3'
Protein context (NP_000129.3, residues 127-147): GSCSDDHCLC[Gln137His]KGYIGTHCGQ